The following is an entry in ClinVar:

ClinVar aggregate classification (germline): Likely benign. Review status: criteria provided, multiple submitters, no conflicts (2 of 4 stars). 2 submissions from 2 submitters: Likely benign (2). Last evaluated 2025-07-01.

Allele frequency attached by ClinVar (database versions not stated): ESP Exome Variant Server 0.00120; ExAC 0.00212; gnomAD 0.00264.

Submissions (2):

CeGaT Center for Human Genetics Tuebingen
Classification: Likely benign. Last evaluated: 2025-07-01. Review status: criteria provided, single submitter. Criteria: CeGaT Center For Human Genetics Tuebingen Variant Classification Criteria Version 2. Collection method: clinical testing. Allele origin: germline. Affected: yes. Observed: 3 variant alleles.
Comment: KRTAP10-4: BP4, BP7

Blueprint Genetics
Classification: Likely benign. Last evaluated: 2024-11-21. Review status: criteria provided, single submitter. Criteria: ACMG Guidelines, 2015. Collection method: clinical testing. Allele origin: germline.

NM_198687.2(KRTAP10-4):c.189G>A (p.Val63=)

Genes: KRTAP10-4 (keratin associated protein 10-4; plus strand), TSPEAR (thrombospondin type laminin G domain and EAR repeats; minus strand). Cytogenetic location: 21q22.3.
Variant type: single nucleotide variant.
Coding change: c.189G>A on transcript NM_198687.2 (MANE Select); coding-DNA position 189, G replaced by A.
Protein change: p.Val63=; no amino-acid change (valine 63 retained).
Molecular consequence: synonymous variant. On other transcripts: intron variant (2).
Genome position (GRCh38, 1-based): chr21:44,573,947, G>A. VCF-style: chr21-44573947-G-A. GRCh37 (hg19) VCF-style: chr21-45993824-G-A.
Other names: c.83-5942C>T (NM_144991.3); c.-122-5942C>T (NM_001272037.2).
Identifiers: ClinVar variation 2652763 (VCV002652763.25), dbSNP rs201222509, ClinGen allele CA10058203.